The following is an entry in ClinVar:

ClinVar aggregate classification (germline): Uncertain significance. Review status: criteria provided, multiple submitters, no conflicts (2 of 4 stars). 2 submissions from 2 submitters: Uncertain significance (2). Last evaluated 2025-08-19.

Allele frequency attached by ClinVar (database versions not stated): TOPMed below 0.00001; gnomAD 0.00001; gnomAD exomes 0.00001.

Submissions (2):

Ambry Genetics
Classification: Uncertain significance. Last evaluated: 2025-08-19. Review status: criteria provided, single submitter. Criteria: Ambry Variant Classification Scheme 2023. Collection method: clinical testing. Allele origin: germline.

Labcorp Genetics (formerly Invitae), Labcorp
Classification: Uncertain significance. Last evaluated: 2023-02-22. Review status: criteria provided, single submitter. Criteria: Invitae Variant Classification Sherloc (09022015). Collection method: clinical testing. Allele origin: germline.
Comment: In summary, the available evidence is currently insufficient to determine the role of this variant in disease. Therefore, it has been classified as a Variant of Uncertain Significance. An algorithm developed to predict the effect of missense changes on protein structure and function (PolyPhen-2) suggests that this variant is likely to be tolerated. This variant has not been reported in the literature in individuals affected with GPR88-related conditions. The frequency data for this variant in the population databases is considered unreliable, as metrics indicate poor data quality at this position in the gnomAD database. This sequence change replaces threonine, which is neutral and polar, with isoleucine, which is neutral and non-polar, at codon 96 of the GPR88 protein (p.Thr96Ile).

NM_022049.3(GPR88):c.287C>T (p.Thr96Ile)

Gene: GPR88 (G protein-coupled receptor 88; plus strand). Cytogenetic location: 1p21.2.
Variant type: single nucleotide variant.
Coding change: c.287C>T on transcript NM_022049.3 (MANE Select); coding-DNA position 287, C replaced by T.
Protein change: p.Thr96Ile; replaces threonine 96 with isoleucine.
Molecular consequence: missense variant.
Genome position (GRCh38, 1-based): chr1:100,539,253, C>T. VCF-style: chr1-100539253-C-T. GRCh37 (hg19) VCF-style: chr1-101004809-C-T.
Other names: c.287C>T (NM_022049.2); short protein forms T96I.
Identifiers: ClinVar variation 2868897 (VCV002868897.4), dbSNP rs1422172696, ClinGen allele CA341391500.